The following is an entry in ClinVar:

NM_014363.6(SACS):c.6387G>A (p.Gly2129=)

Gene: SACS (sacsin molecular chaperone; minus strand). Cytogenetic location: 13q12.12.
Variant type: single nucleotide variant.
Coding change: c.6387G>A on transcript NM_014363.6 (MANE Select); coding-DNA position 6387, G replaced by A.
Protein change: p.Gly2129=; no amino-acid change (glycine 2129 retained).
Molecular consequence: synonymous variant.
Genome position (GRCh38, 1-based): chr13:23,337,489, C>T on the plus strand (G>A on the coding strand, the complement: SACS is on the minus strand). VCF-style: chr13-23337489-C-T. GRCh37 (hg19) VCF-style: chr13-23911628-C-T.
Other names: c.5946G>A, p.Gly1982= (NM_001278055.2); c.6387G>A (NM_014363.5).
Identifiers: ClinVar variation 1593929 (VCV001593929.10), dbSNP rs141341126, ClinGen allele CA6911090.

ClinVar aggregate classification (germline): Likely benign. Review status: criteria provided, single submitter (1 of 4 stars). 2 submissions from 2 submitters: Likely benign (1). 1 of the submissions does not count toward it. Last evaluated 2023-10-06.

Conditions:
SACS-related disorder. Also called: SACS-related condition.
Spastic paraplegia. Identifiers: MedGen C0037772, HP:0001258.

Allele frequency attached by ClinVar (database versions not stated): ExAC 0.00001; ESP Exome Variant Server 0.00008.
gnomAD v4.1: 6 of 1,613,576 alleles (0.00037%); highest among the groups gnomAD compares: African/African-American, 0.008%; no homozygotes.

Submissions (2):

Labcorp Genetics (formerly Invitae), Labcorp
Classification: Likely benign for Spastic paraplegia. Last evaluated: 2023-10-06. Review status: criteria provided, single submitter. Criteria: Invitae Variant Classification Sherloc (09022015). Collection method: clinical testing. Allele origin: germline.

PreventionGenetics, part of Exact Sciences
Classification: Likely benign for SACS-related condition. Last evaluated: 2019-06-12. Review status: no assertion criteria provided. Collection method: clinical testing. Allele origin: germline. Not counted in ClinVar's aggregate classification.
Comment: This variant is classified as likely benign based on ACMG/AMP sequence variant interpretation guidelines (Richards et al. 2015 PMID: 25741868, with internal and published modifications).